The following is an entry in ClinVar:

NM_020713.3(ZNF512B):c.834A>C (p.Val278=)

Gene: ZNF512B (zinc finger protein 512B; minus strand). Cytogenetic location: 20q13.33.
Variant type: single nucleotide variant.
Coding change: c.834A>C on transcript NM_020713.3 (MANE Select); coding-DNA position 834, A replaced by C.
Protein change: p.Val278=; no amino-acid change (valine 278 retained).
Molecular consequence: synonymous variant.
Genome position (GRCh38, 1-based): chr20:63,966,341, T>G on the plus strand (A>C on the coding strand, the complement: ZNF512B is on the minus strand). VCF-style: chr20-63966341-T-G. GRCh37 (hg19) VCF-style: chr20-62597694-T-G.
Identifiers: ClinVar variation 3059501 (VCV003059501.2), dbSNP rs817329, ClinGen allele CA9971324.

ClinVar aggregate classification (germline): Benign (0 of 4 stars; one submission).

Conditions:
ZNF512B-related disorder. Also called: ZNF512B-related condition.

Allele frequency attached by ClinVar (database versions not stated): 1000 Genomes Project 0.49042; 1000 Genomes Project 30x 0.49984; ExAC 0.53543; gnomAD exomes 0.57047; TOPMed 0.58569; gnomAD 0.59290; ESP Exome Variant Server 0.62494.

Submission:

PreventionGenetics, part of Exact Sciences
Classification: Benign for ZNF512B-related condition. Last evaluated: 2019-10-17. Review status: no assertion criteria provided. Collection method: clinical testing. Allele origin: germline.
Comment: This variant is classified as benign based on ACMG/AMP sequence variant interpretation guidelines (Richards et al. 2015 PMID: 25741868, with internal and published modifications).